The following is an entry in ClinVar:

ClinVar aggregate classification (germline): Uncertain significance (1 of 4 stars; one submission).

Conditions:
Charcot-Marie-Tooth disease axonal type 2O. Also called: CHARCOT-MARIE-TOOTH NEUROPATHY, AXONAL, TYPE 2O; CHARCOT-MARIE-TOOTH DISEASE, AXONAL, AUTOSOMAL DOMINANT, TYPE 2O; Charcot-Marie-Tooth Neuropathy Type 2O; Charcot-Marie-Tooth disease, axonal, type 20. Identifiers: Orphanet 284232, MedGen C3280220, MONDO:0013644, OMIM 614228.

Allele frequency attached by ClinVar (database versions not stated): gnomAD exomes below 0.00001; TOPMed below 0.00001.
gnomAD v4.1: 1 of 1,614,204 alleles (0.000062%); highest among the groups gnomAD compares: Non-Finnish European, 0.000085%; no homozygotes.

Submission:

Labcorp Genetics (formerly Invitae), Labcorp
Classification: Uncertain significance for Charcot-Marie-Tooth disease axonal type 2O. Last evaluated: 2024-01-10. Review status: criteria provided, single submitter. Criteria: Invitae Variant Classification Sherloc (09022015). Collection method: clinical testing. Allele origin: germline.
Comment: This sequence change replaces threonine, which is neutral and polar, with alanine, which is neutral and non-polar, at codon 2528 of the DYNC1H1 protein (p.Thr2528Ala). This variant is not present in population databases (gnomAD no frequency). This variant has not been reported in the literature in individuals affected with DYNC1H1-related conditions. ClinVar contains an entry for this variant (Variation ID: 2415216). Advanced modeling of protein sequence and biophysical properties (such as structural, functional, and spatial information, amino acid conservation, physicochemical variation, residue mobility, and thermodynamic stability) performed at Invitae indicates that this missense variant is not expected to disrupt DYNC1H1 protein function with a negative predictive value of 95%. In summary, the available evidence is currently insufficient to determine the role of this variant in disease. Therefore, it has been classified as a Variant of Uncertain Significance.

NM_001376.5(DYNC1H1):c.7582A>G (p.Thr2528Ala)

Gene: DYNC1H1 (dynein cytoplasmic 1 heavy chain 1; plus strand). Cytogenetic location: 14q32.31.
Variant type: single nucleotide variant.
Coding change: c.7582A>G on transcript NM_001376.5 (MANE Select); coding-DNA position 7582, A replaced by G.
Protein change: p.Thr2528Ala; replaces threonine 2528 with alanine.
Molecular consequence: missense variant.
Genome position (GRCh38, 1-based): chr14:102,016,457, A>G. VCF-style: chr14-102016457-A-G. GRCh37 (hg19) VCF-style: chr14-102482794-A-G.
Other names: short protein forms T2528A.
Identifiers: ClinVar variation 2415216 (VCV002415216.6), dbSNP rs2048323765, ClinGen allele CA391002449.
Genomic context (GRCh38, chr14:102,016,457, plus strand): 5'-CTAAAAATGAGAGCAGAGCTGGGTGAATACATCAGAAGAATCACGACCGTGCCTCTGCCC[A>G]CTGCGCCCAACATACCCATTATCGATTATGAGGTGAGCATGCAGCTACCACCCGTGTTTC-3'
Protein context (NP_001367.2, residues 2518-2538): IRRITTVPLP[Thr2528Ala]APNIPIIDYE